The following is an entry in ClinVar:

NM_198525.3(KIF7):c.1921A>G (p.Arg641Gly)

Gene: KIF7 (kinesin family member 7; minus strand). Cytogenetic location: 15q26.1.
Variant type: single nucleotide variant.
Coding change: c.1921A>G on transcript NM_198525.3 (MANE Select); coding-DNA position 1921, A replaced by G.
Protein change: p.Arg641Gly; replaces arginine 641 with glycine.
Molecular consequence: missense variant.
Genome position (GRCh38, 1-based): chr15:89,645,894, T>C on the plus strand (A>G on the coding strand, the complement: KIF7 is on the minus strand). VCF-style: chr15-89645894-T-C. GRCh37 (hg19) VCF-style: chr15-90189125-T-C.
Other names: short protein forms R641G.
Identifiers: ClinVar variation 1211801 (VCV001211801.11), dbSNP rs137905815, ClinGen allele CA7728412.

ClinVar aggregate classification (germline): Uncertain significance. Review status: criteria provided, multiple submitters, no conflicts (2 of 4 stars). 4 submissions from 4 submitters: Uncertain significance (4). Last evaluated 2024-08-19.

Conditions:
Acrocallosal syndrome (ACLS). Also called: Schinzel syndrome 1; Absence of corpus callosum with unusual facial appearance, mental deficiency, duplication of the halluces and polydactyly; HALLUX DUPLICATION, POSTAXIAL POLYDACTYLY, AND ABSENCE OF CORPUS CALLOSUM. Identifiers: Orphanet 36, MedGen C0796147, MONDO:0008708, OMIM 200990.
Multiple epiphyseal dysplasia, Al-Gazali type. Also called: Macrocephaly with multiple epiphyseal dysplasia and distinctive facies. Identifiers: Orphanet 166024, MedGen C1846722, MONDO:0011778, OMIM 607131.
Hydrolethalus syndrome 2 (HLS2). Identifiers: Orphanet 2189, MedGen C3279899, MONDO:0013585, OMIM 614120.

Allele frequency attached by ClinVar (database versions not stated): ESP Exome Variant Server 0.00023.
gnomAD v4.1: 264 of 1,613,184 alleles (0.016%); highest among the groups gnomAD compares: Non-Finnish European, 0.02%; no homozygotes.

Submissions (4):

Blueprint Genetics
Classification: Uncertain significance. Last evaluated: 2024-08-19. Review status: criteria provided, single submitter. Criteria: ACMG Guidelines, 2015. Collection method: clinical testing. Allele origin: germline.

Labcorp Genetics (formerly Invitae), Labcorp
Classification: Uncertain significance for Acrocallosal syndrome. Last evaluated: 2024-01-02. Review status: criteria provided, single submitter. Criteria: Invitae Variant Classification Sherloc (09022015). Collection method: clinical testing. Allele origin: germline.
Comment: This sequence change replaces arginine, which is basic and polar, with glycine, which is neutral and non-polar, at codon 641 of the KIF7 protein (p.Arg641Gly). This variant is present in population databases (rs137905815, gnomAD 0.01%). This variant has not been reported in the literature in individuals affected with KIF7-related conditions. ClinVar contains an entry for this variant (Variation ID: 1211801). An algorithm developed to predict the effect of missense changes on protein structure and function (PolyPhen-2) suggests that this variant¬†is likely to be tolerated. Experimental studies have shown that this missense change affects KIF7 function (PMID: 21552264). In summary, the available evidence is currently insufficient to determine the role of this variant in disease. Therefore, it has been classified as a Variant of Uncertain Significance.

Fulgent Genetics
Classification: Uncertain significance for Acrocallosal syndrome; Multiple epiphyseal dysplasia, Al-Gazali type; Hydrolethalus syndrome 2. Last evaluated: 2021-09-11. Review status: criteria provided, single submitter. Criteria: ACMG Guidelines, 2015. Collection method: clinical testing. Allele origin: unknown.

GeneDx
Classification: Uncertain significance. Last evaluated: 2020-02-14. Review status: criteria provided, single submitter. Criteria: GeneDx Variant Classification Process June 2021. Collection method: clinical testing. Allele origin: germline. Affected: yes.
Comment: In silico analysis supports that this missense variant does not alter protein structure/function; This variant is associated with the following publications: (PMID: 21552264)

Literature cited by the submitters: PubMed 21552264 (cited by Labcorp Genetics (formerly Invitae), Labcorp).